The following is an entry in ClinVar:

NM_001387430.1(SH2B1):c.-792G>A

Gene: SH2B1 (SH2B adaptor protein 1; plus strand). Cytogenetic location: 16p11.2.
Variant type: single nucleotide variant.
Coding change: c.-792G>A on transcript NM_001387430.1 (MANE Select); 792 bases upstream of the start codon, G replaced by A.
Molecular consequence: 5 prime UTR variant. On other transcripts: intron variant (7).
Genome position (GRCh38, 1-based): chr16:28,865,303, G>A. VCF-style: chr16-28865303-G-A. GRCh37 (hg19) VCF-style: chr16-28876624-G-A.
Other names: c.-792G>A (NM_015503.3); c.-83-709G>A (NM_001308293.2, NM_001387404.1, NM_001145812.2 and 3 more transcripts); c.-27+1358G>A (NM_001308294.2).
Identifiers: ClinVar variation 3044497 (VCV003044497.2), dbSNP rs561051168, ClinGen allele CA279249955.

ClinVar aggregate classification (germline): Likely benign (0 of 4 stars; one submission).

Conditions:
SH2B1-related disorder. Also called: SH2B1-related condition.

Allele frequency attached by ClinVar (database versions not stated): gnomAD 0.00008; TOPMed 0.00011; 1000 Genomes Project 30x 0.00031; 1000 Genomes Project 0.00040.
gnomAD v4.1: 16 of 985,708 alleles (0.0016%); highest among the groups gnomAD compares: African/African-American, 0.023%; no homozygotes.

Submission:

PreventionGenetics, part of Exact Sciences
Classification: Likely benign for SH2B1-related condition. Last evaluated: 2022-10-12. Review status: no assertion criteria provided. Collection method: clinical testing. Allele origin: germline.
Comment: This variant is classified as likely benign based on ACMG/AMP sequence variant interpretation guidelines (Richards et al. 2015 PMID: 25741868, with internal and published modifications).